The following is an entry in ClinVar:

NM_002230.4(JUP):c.296C>T (p.Ser99Leu)

Gene: JUP (junction plakoglobin; minus strand). Cytogenetic location: 17q21.2.
Variant type: single nucleotide variant.
Coding change: c.296C>T on transcript NM_002230.4 (MANE Select); coding-DNA position 296, C replaced by T.
Protein change: p.Ser99Leu; replaces serine 99 with leucine.
Molecular consequence: missense variant.
Genome position (GRCh38, 1-based): chr17:41,769,590, G>A on the plus strand (C>T on the coding strand, the complement: JUP is on the minus strand). VCF-style: chr17-41769590-G-A. GRCh37 (hg19) VCF-style: chr17-39925842-G-A.
Other names: c.296C>T, p.Ser99Leu (NM_001352773.2, NM_001352774.2, NM_001352775.2 and 3 more transcripts); c.296C>T (NM_002230.2); short protein forms S99L.
Identifiers: ClinVar variation 1054950 (VCV001054950.10), dbSNP rs554046226, ClinGen allele CA8565524.

ClinVar aggregate classification (germline): Conflicting classifications of pathogenicity. Review status: criteria provided, conflicting classifications (1 of 4 stars). 3 submissions from 3 submitters: Uncertain significance (2); Benign (1). Last evaluated 2025-09-03.

Conditions:
Naxos disease (NXD). Also called: KERATOSIS PALMOPLANTARIS WITH ARRHYTHMOGENIC CARDIOMYOPATHY; MAL DE NAXOS; CARDIOMYOPATHY, ARRHYTHMOGENIC RIGHT VENTRICULAR, WITH SKIN, HAIR, AND NAIL ABNORMALITIES; PALMOPLANTAR KERATODERMA WITH ARRHYTHMOGENIC RIGHT VENTRICULAR CARDIOMYOPATHY AND WOOLLY HAIR; WOOLLY HAIR, PALMOPLANTAR KERATODERMA, AND CARDIAC ABNORMALITIES. Identifiers: Orphanet 34217, MedGen C1832600, MONDO:0011017, OMIM 601214.
Arrhythmogenic right ventricular dysplasia 12. Also called: ARRHYTHMOGENIC RIGHT VENTRICULAR DYSPLASIA, FAMILIAL, 12. Identifiers: MedGen C1969081, MONDO:0012684, OMIM 611528.
Cardiovascular phenotype. Identifiers: MedGen CN230736.

Allele frequency attached by ClinVar (database versions not stated): TOPMed below 0.00001; gnomAD 0.00001; gnomAD exomes 0.00001 and 0.00003; ExAC 0.00005; 1000 Genomes Project 30x 0.00016; 1000 Genomes Project 0.00020.
gnomAD v4.1: 22 of 1,605,888 alleles (0.0014%); highest among the groups gnomAD compares: Middle Eastern, 0.033%; no homozygotes.

Submissions (3):

Ambry Genetics
Classification: Benign for Cardiovascular phenotype. Last evaluated: 2025-09-03. Review status: criteria provided, single submitter. Criteria: Ambry Variant Classification Scheme 2023. Collection method: clinical testing. Allele origin: germline.

Labcorp Genetics (formerly Invitae), Labcorp
Classification: Uncertain significance for Arrhythmogenic right ventricular dysplasia 12; Naxos disease. Last evaluated: 2024-12-15. Review status: criteria provided, single submitter. Criteria: Invitae Variant Classification Sherloc (09022015). Collection method: clinical testing. Allele origin: germline.
Comment: This sequence change replaces serine, which is neutral and polar, with leucine, which is neutral and non-polar, at codon 99 of the JUP protein (p.Ser99Leu). This variant is present in population databases (rs554046226, gnomAD 0.01%). This missense change has been observed in individual(s) with clinical features of arrhythmogenic right ventricular cardiomyopathy (PMID: 27532257, 31737537). ClinVar contains an entry for this variant (Variation ID: 1054950). An algorithm developed to predict the effect of missense changes on protein structure and function (PolyPhen-2) suggests that this variant¬¨‚Ä†is likely to be tolerated. In summary, the available evidence is currently insufficient to determine the role of this variant in disease. Therefore, it has been classified as a Variant of Uncertain Significance.

Blueprint Genetics
Classification: Uncertain significance. Last evaluated: 2023-12-04. Review status: criteria provided, single submitter. Criteria: ACMG Guidelines, 2015. Collection method: clinical testing. Allele origin: germline.

Literature cited by the submitters: PubMed 27532257 (cited by Labcorp Genetics (formerly Invitae), Labcorp); PubMed 31737537 (cited by Labcorp Genetics (formerly Invitae), Labcorp).